The following is an entry in ClinVar:

NM_001943.5(DSG2):c.2737T>C (p.Ser913Pro)

Genes: DSG2 (desmoglein 2; plus strand), DSG2-AS1 (DSG2 antisense RNA 1; minus strand). Cytogenetic location: 18q12.1.
Variant type: single nucleotide variant.
Coding change: c.2737T>C on transcript NM_001943.5 (MANE Select); coding-DNA position 2737, T replaced by C.
Protein change: p.Ser913Pro; replaces serine 913 with proline.
Molecular consequence: missense variant.
Genome position (GRCh38, 1-based): chr18:31,546,123, T>C. VCF-style: chr18-31546123-T-C. GRCh37 (hg19) VCF-style: chr18-29126086-T-C.
Other names: short protein forms S913P.
Identifiers: ClinVar variation 3017463 (VCV003017463.2), dbSNP rs747507183, ClinGen allele CA047038.

ClinVar aggregate classification (germline): Uncertain significance (1 of 4 stars; one submission).

Conditions:
Arrhythmogenic right ventricular dysplasia 10. Also called: ARRHYTHMOGENIC RIGHT VENTRICULAR DYSPLASIA, FAMILIAL, 10; Arrhythmogenic Right Ventricular Dysplasia/Cardiomyopathy10; Arrhythmogenic right ventricular dysplasia/cardiomyopathy, type 10. Identifiers: MedGen C1857777, MONDO:0012434, OMIM 610193.

Allele frequency attached by ClinVar (database versions not stated): ExAC 0.00001; gnomAD exomes 0.00001.
gnomAD v4.1: 4 of 1,614,170 alleles (0.00025%); highest among the groups gnomAD compares: South Asian, 0.0044%; no homozygotes.

Submission:

Labcorp Genetics (formerly Invitae), Labcorp
Classification: Uncertain significance for Arrhythmogenic right ventricular dysplasia 10. Last evaluated: 2023-12-09. Review status: criteria provided, single submitter. Criteria: Invitae Variant Classification Sherloc (09022015). Collection method: clinical testing. Allele origin: germline.
Comment: This sequence change replaces serine, which is neutral and polar, with proline, which is neutral and non-polar, at codon 913 of the DSG2 protein (p.Ser913Pro). This variant is present in population databases (rs747507183, gnomAD 0.003%). This variant has not been reported in the literature in individuals affected with DSG2-related conditions. Advanced modeling of protein sequence and biophysical properties (such as structural, functional, and spatial information, amino acid conservation, physicochemical variation, residue mobility, and thermodynamic stability) performed at Invitae indicates that this missense variant is not expected to disrupt DSG2 protein function with a negative predictive value of 95%. In summary, the available evidence is currently insufficient to determine the role of this variant in disease. Therefore, it has been classified as a Variant of Uncertain Significance.